The following is an entry in ClinVar:

NM_001873.4(CPE):c.63G>T (p.Trp21Cys)

Genes: CPE (carboxypeptidase E; plus strand), LOC129993339 (ATAC-STARR-seq lymphoblastoid silent region 15785; plus strand). Cytogenetic location: 4q32.3.
Variant type: single nucleotide variant.
Coding change: c.63G>T on transcript NM_001873.4 (MANE Select); coding-DNA position 63, G replaced by T.
Protein change: p.Trp21Cys; replaces tryptophan 21 with cysteine.
Molecular consequence: missense variant.
Genome position (GRCh38, 1-based): chr4:165,379,284, G>T. VCF-style: chr4-165379284-G-T. GRCh37 (hg19) VCF-style: chr4-166300436-G-T.
Other names: c.63G>T (NM_001873.3); short protein forms W21C.
Identifiers: ClinVar variation 2591521 (VCV002591521.6), dbSNP rs896963496, ClinGen allele CA109746378.

ClinVar aggregate classification (germline): Uncertain significance. Review status: criteria provided, multiple submitters, no conflicts (2 of 4 stars). 3 submissions from 3 submitters: Uncertain significance (2). 1 of the submissions does not count toward it. Last evaluated 2025-12-08.

Conditions:
CPE-related disorder. Also called: CPE-related condition.
Inborn genetic diseases. Identifiers: MedGen C0950123, MeSH D030342.

Submissions (3):

Ambry Genetics
Classification: Uncertain significance for Inborn genetic diseases. Last evaluated: 2025-12-08. Review status: criteria provided, single submitter. Criteria: Ambry Variant Classification Scheme 2023. Collection method: clinical testing. Allele origin: germline.

Blueprint Genetics
Classification: Uncertain significance. Last evaluated: 2024-09-03. Review status: criteria provided, single submitter. Criteria: ACMG Guidelines, 2015. Collection method: clinical testing. Allele origin: germline.

PreventionGenetics, part of Exact Sciences
Classification: Uncertain significance for CPE-related condition. Last evaluated: 2024-07-24. Review status: no assertion criteria provided. Collection method: clinical testing. Allele origin: germline. Not counted in ClinVar's aggregate classification.
Comment: The CPE c.63G>T variant is predicted to result in the amino acid substitution p.Trp21Cys. To our knowledge, this variant has not been reported in the literature. This variant is reported in 0.028% of alleles in individuals of European (Non-Finnish) descent in gnomAD. At this time, the clinical significance of this variant is uncertain due to the absence of conclusive functional and genetic evidence.